The following is an entry in ClinVar:

NM_024640.4(YRDC):c.2T>G (p.Met1Arg)

Genes: C1orf122 (chromosome 1 open reading frame 122; plus strand), YRDC (yrdC N6-threonylcarbamoyltransferase domain containing; minus strand). Cytogenetic location: 1p34.3.
Variant type: single nucleotide variant.
Coding change: c.2T>G on transcript NM_024640.4 (MANE Select); coding-DNA position 2, T replaced by G.
Protein change: p.Met1Arg; changes the start codon (methionine 1).
Molecular consequence: missense variant, initiator codon variant. On other transcripts: 5 prime UTR variant (2).
Genome position (GRCh38, 1-based): chr1:37,808,179, A>C on the plus strand (T>G on the coding strand, the complement: YRDC is on the minus strand). VCF-style: chr1-37808179-A-C. GRCh37 (hg19) VCF-style: chr1-38273851-A-C.
Other names: c.-282A>C (NM_001142726.2); c.-226A>C (NM_198446.3); short protein forms M1R.
Identifiers: ClinVar variation 1974362 (VCV001974362.7), dbSNP rs545517703, ClinGen allele CA20851892.

ClinVar aggregate classification (germline): Uncertain significance. Review status: criteria provided, multiple submitters, no conflicts (2 of 4 stars). 2 submissions from 2 submitters: Uncertain significance (2). Last evaluated 2025-06-12.

Allele frequency attached by ClinVar (database versions not stated): 1000 Genomes Project 30x 0.00031; gnomAD 0.00052; TOPMed 0.00063; 1000 Genomes Project 0.00020.

Submissions (2):

Labcorp Genetics (formerly Invitae), Labcorp
Classification: Uncertain significance. Last evaluated: 2025-06-12. Review status: criteria provided, single submitter. Criteria: Invitae Variant Classification Sherloc (09022015). Collection method: clinical testing. Allele origin: germline.
Comment: This sequence change affects the initiator codon of the YRDC mRNA. This change may impact translation initiation or efficiency. The next in-frame methionine is located at codon 10. The frequency data for this variant in the population databases is considered unreliable, as metrics indicate poor data quality at this position in the gnomAD database. This variant has not been reported in the literature in individuals affected with YRDC-related conditions. ClinVar contains an entry for this variant (Variation ID: 1974362). Experimental studies and prediction algorithms are not available or were not evaluated, and the functional significance of this variant is currently unknown. In summary, the available evidence is currently insufficient to determine the role of this variant in disease. Therefore, it has been classified as a Variant of Uncertain Significance.

GeneDx
Classification: Uncertain significance. Last evaluated: 2024-04-13. Review status: criteria provided, single submitter. Criteria: GeneDx Variant Classification Process June 2021. Collection method: clinical testing. Allele origin: germline. Affected: yes.
Comment: Has not been previously published as pathogenic or benign to our knowledge; Initiation codon variant in a gene for which loss of function is not a known mechanism of disease